The following is an entry in ClinVar:

NM_001734.5(C1S):c.1924A>G (p.Asn642Asp)

Gene: C1S (complement C1s; plus strand). Cytogenetic location: 12p13.31.
Variant type: single nucleotide variant.
Coding change: c.1924A>G on transcript NM_001734.5 (MANE Select); coding-DNA position 1924, A replaced by G.
Protein change: p.Asn642Asp; replaces asparagine 642 with aspartic acid.
Molecular consequence: missense variant.
Genome position (GRCh38, 1-based): chr12:7,070,508, A>G. VCF-style: chr12-7070508-A-G. GRCh37 (hg19) VCF-style: chr12-7177812-A-G.
Other names: c.1423A>G, p.Asn475Asp (NM_001346850.2); c.1924A>G, p.Asn642Asp (NM_201442.4); short protein forms N475D, N642D.
Identifiers: ClinVar variation 3826247 (VCV003826247.2).

ClinVar aggregate classification (germline): Uncertain significance. Review status: criteria provided, multiple submitters, no conflicts (2 of 4 stars). 2 submissions from 2 submitters: Uncertain significance (2). Last evaluated 2025-09-14.

Conditions:
Inborn genetic diseases. Identifiers: MedGen C0950123, MeSH D030342.

Submissions (2):

Labcorp Genetics (formerly Invitae), Labcorp
Classification: Uncertain significance. Last evaluated: 2025-09-14. Review status: criteria provided, single submitter. Criteria: Invitae Variant Classification Sherloc (09022015). Collection method: clinical testing. Allele origin: germline.
Comment: This sequence change replaces asparagine, which is neutral and polar, with aspartic acid, which is acidic and polar, at codon 642 of the C1S protein (p.Asn642Asp). This variant is not present in population databases (gnomAD no frequency). This variant has not been reported in the literature in individuals affected with C1S-related conditions. ClinVar contains an entry for this variant (Variation ID: 3826247). Invitae Evidence Modeling of protein sequence and biophysical properties (such as structural, functional, and spatial information, amino acid conservation, physicochemical variation, residue mobility, and thermodynamic stability) indicates that this missense variant is not expected to disrupt C1S protein function with a negative predictive value of 80%. In summary, the available evidence is currently insufficient to determine the role of this variant in disease. Therefore, it has been classified as a Variant of Uncertain Significance.

Ambry Genetics
Classification: Uncertain significance for Inborn genetic diseases. Last evaluated: 2025-01-24. Review status: criteria provided, single submitter. Criteria: Ambry Variant Classification Scheme 2023. Collection method: clinical testing. Allele origin: germline.